The following is an entry in ClinVar:

NM_004727.3(SLC24A1):c.847C>G (p.Pro283Ala)

Gene: SLC24A1 (solute carrier family 24 member 1; plus strand). Cytogenetic location: 15q22.31.
Variant type: single nucleotide variant.
Coding change: c.847C>G on transcript NM_004727.3 (MANE Select); coding-DNA position 847, C replaced by G.
Protein change: p.Pro283Ala; replaces proline 283 with alanine.
Molecular consequence: missense variant.
Genome position (GRCh38, 1-based): chr15:65,624,927, C>G. VCF-style: chr15-65624927-C-G. GRCh37 (hg19) VCF-style: chr15-65917265-C-G.
Other names: c.847C>G, p.Pro283Ala (NM_001301031.1, NM_001301032.1, NM_001301033.2); short protein forms P283A.
Identifiers: ClinVar variation 1446313 (VCV001446313.8), dbSNP rs956792845, ClinGen allele CA271588112.

ClinVar aggregate classification (germline): Uncertain significance (1 of 4 stars; one submission).

Allele frequency attached by ClinVar (database versions not stated): gnomAD 0.00001; TOPMed 0.00001.
gnomAD v4.1: 3 of 1,613,052 alleles (0.00019%); highest among the groups gnomAD compares: Non-Finnish European, 0.00025%; no homozygotes.

Submission:

Labcorp Genetics (formerly Invitae), Labcorp
Classification: Uncertain significance. Last evaluated: 2021-05-27. Review status: criteria provided, single submitter. Criteria: Invitae Variant Classification Sherloc (09022015). Collection method: clinical testing. Allele origin: germline.
Comment: In summary, the available evidence is currently insufficient to determine the role of this variant in disease. Therefore, it has been classified as a Variant of Uncertain Significance. Algorithms developed to predict the effect of missense changes on protein structure and function (SIFT, PolyPhen-2, Align-GVGD) all suggest that this variant is likely to be tolerated, but these predictions have not been confirmed by published functional studies and their clinical significance is uncertain. This variant has not been reported in the literature in individuals with SLC24A1-related conditions. This variant is not present in population databases (ExAC no frequency). This sequence change replaces proline with alanine at codon 283 of the SLC24A1 protein (p.Pro283Ala). The proline residue is weakly conserved and there is a small physicochemical difference between proline and alanine.